The following is an entry in ClinVar:

ClinVar aggregate classification (germline): Uncertain significance (1 of 4 stars; one submission).

Conditions:
Inborn genetic diseases. Identifiers: MedGen C0950123, MeSH D030342.

Allele frequency attached by ClinVar (database versions not stated): gnomAD 0.00003 and 0.00004; TOPMed 0.00008.
gnomAD v4.1: 7 of 1,236,760 alleles (0.00057%); highest among the groups gnomAD compares: Admixed American, 0.021%; no homozygotes.

Submission:

Ambry Genetics
Classification: Uncertain significance for Inborn genetic diseases. Last evaluated: 2020-01-31. Review status: criteria provided, single submitter. Criteria: Ambry Variant Classification Scheme 2023. Collection method: clinical testing. Allele origin: germline.
Comment: The alteration results in an amino acid change:_x000D_ _x000D_ The c.148C>G (p.R50G) alteration is located in coding exon 1 of the SMARCD1 gene. This alteration results from a C to G substitution at nucleotide position 148, causing the arginine (R) at amino acid position 50 to be replaced by a glycine (G). The alteration is rare in population databases: _x000D_ _x000D_ Based on data from the Genome Aggregation Database (gnomAD), the c.148C>G alteration was observed in 0.0032% (1/31020) of total alleles studied. The altered amino acid is conserved throughout evolution:_x000D_ _x000D_ The p.R50 amino acid is conserved in available vertebrate species. The alteration is predicted tolerated by in silico modeling:_x000D_ _x000D_ The p.R50G alteration is predicted to be tolerated by in silico analysis. Based on insufficient or conflicting evidence, the clinical significance of this alteration remains unclear.

NM_003076.5(SMARCD1):c.148C>G (p.Arg50Gly)

Genes: SMARCD1 (SWI/SNF related BAF chromatin remodeling complex subunit D1; plus strand), LOC130007872 (ATAC-STARR-seq lymphoblastoid silent region 4446; plus strand). Cytogenetic location: 12q13.12.
Variant type: single nucleotide variant.
Coding change: c.148C>G on transcript NM_003076.5 (MANE Select); coding-DNA position 148, C replaced by G.
Protein change: p.Arg50Gly; replaces arginine 50 with glycine.
Molecular consequence: missense variant.
Genome position (GRCh38, 1-based): chr12:50,085,517, C>G. VCF-style: chr12-50085517-C-G. GRCh37 (hg19) VCF-style: chr12-50479300-C-G.
Other names: c.148C>G, p.Arg50Gly (NM_139071.3); short protein forms R50G.
Identifiers: ClinVar variation 986177 (VCV000986177.5), dbSNP rs954124678, ClinGen allele CA236743270.